The following is an entry in ClinVar:

NM_003465.3(CHIT1):c.988C>G (p.Gln330Glu)

Gene: CHIT1 (chitinase 1; minus strand). Cytogenetic location: 1q32.1.
Variant type: single nucleotide variant.
Coding change: c.988C>G on transcript NM_003465.3 (MANE Select); coding-DNA position 988, C replaced by G.
Protein change: p.Gln330Glu; replaces glutamine 330 with glutamic acid.
Molecular consequence: missense variant. On other transcripts: non-coding transcript variant (2).
Genome position (GRCh38, 1-based): chr1:203,219,257, G>C on the plus strand (C>G on the coding strand, the complement: CHIT1 is on the minus strand). VCF-style: chr1-203219257-G-C. GRCh37 (hg19) VCF-style: chr1-203188385-G-C.
Other names: c.931C>G, p.Gln311Glu (NM_001256125.2); c.988C>G (NM_003465.2); short protein forms Q311E, Q330E.
Identifiers: ClinVar variation 1165707 (VCV001165707.34), dbSNP rs372939622, ClinGen allele CA1339746.

ClinVar aggregate classification (germline): Conflicting classifications of pathogenicity. Review status: criteria provided, conflicting classifications (1 of 4 stars). 3 submissions from 3 submitters: Uncertain significance (1); Benign (1); Likely benign (1). Last evaluated 2025-04-04.

Conditions:
Chitotriosidase deficiency (CHITD). Identifiers: MedGen C3279902, OMIM 614122, MONDO:0013586.

Allele frequency attached by ClinVar (database versions not stated): ESP Exome Variant Server 0.00008; gnomAD 0.00012 and 0.00013.
gnomAD v4.1: 231 of 1,603,046 alleles (0.014%); highest among the groups gnomAD compares: Non-Finnish European, 0.017%; no homozygotes.

Submissions (3):

Labcorp Genetics (formerly Invitae), Labcorp
Classification: Benign for Chitotriosidase deficiency. Last evaluated: 2025-04-04. Review status: criteria provided, single submitter. Criteria: Invitae Variant Classification Sherloc (09022015). Collection method: clinical testing. Allele origin: germline.

Ambry Genetics
Classification: Uncertain significance. Last evaluated: 2024-06-17. Review status: criteria provided, single submitter. Criteria: Ambry Variant Classification Scheme 2023. Collection method: clinical testing. Allele origin: germline.

CeGaT Center for Human Genetics Tuebingen
Classification: Likely benign. Last evaluated: 2022-09-01. Review status: criteria provided, single submitter. Criteria: CeGaT Center For Human Genetics Tuebingen Variant Classification Criteria Version 2. Collection method: clinical testing. Allele origin: germline. Affected: yes. Observed: 1 variant allele.
Comment: CHIT1: BP4